The following is an entry in ClinVar:

NM_001170629.2(CHD8):c.2147A>C (p.Glu716Ala)

Gene: CHD8 (chromodomain helicase DNA binding protein 8; minus strand). Cytogenetic location: 14q11.2.
Variant type: single nucleotide variant.
Coding change: c.2147A>C on transcript NM_001170629.2 (MANE Select); coding-DNA position 2147, A replaced by C.
Protein change: p.Glu716Ala; replaces glutamic acid 716 with alanine.
Molecular consequence: missense variant.
Genome position (GRCh38, 1-based): chr14:21,412,992, T>G on the plus strand (A>C on the coding strand, the complement: CHD8 is on the minus strand). VCF-style: chr14-21412992-T-G. GRCh37 (hg19) VCF-style: chr14-21881151-T-G.
Other names: c.1310A>C, p.Glu437Ala (NM_020920.4); short protein forms E437A, E716A.
Identifiers: ClinVar variation 3776705 (VCV003776705.1).
Genomic context (GRCh38, chr14:21,412,992, plus strand): 5'-ATACTGTGAGACTCATCCAATATCCTATCCACCTCTACGTAGTCTGGATTAAAGGGCTCT[T>G]CATCCTAGATGAGTTAGGAAACCAAACAATAAGACCAAAAGATCACTGTCCAGTAAACCC-3'
Protein context (NP_001164100.1, residues 706-726): AQMRHFFHED[Glu716Ala]EPFNPDYVEV

ClinVar aggregate classification (germline): Uncertain significance (1 of 4 stars; one submission).

Submission:

GeneDx
Classification: Uncertain significance. Last evaluated: 2024-10-04. Review status: criteria provided, single submitter. Criteria: GeneDx Variant Classification Process June 2021. Collection method: clinical testing. Allele origin: germline. Affected: yes.
Comment: Not observed at significant frequency in large population cohorts (gnomAD); In silico analysis supports that this missense variant has a deleterious effect on protein structure/function; Has not been previously published as pathogenic or benign to our knowledge